The following is an entry in ClinVar:

NM_001365480.1(CCDC88A):c.926G>T (p.Arg309Leu)

Gene: CCDC88A (coiled-coil and HOOK domain protein 88A; minus strand). Cytogenetic location: 2p16.1.
Variant type: single nucleotide variant.
Coding change: c.926G>T on transcript NM_001365480.1 (MANE Select); coding-DNA position 926, G replaced by T.
Protein change: p.Arg309Leu; replaces arginine 309 with leucine.
Molecular consequence: missense variant.
Genome position (GRCh38, 1-based): chr2:55,346,290, C>A on the plus strand (G>T on the coding strand, the complement: CCDC88A is on the minus strand). VCF-style: chr2-55346290-C-A. GRCh37 (hg19) VCF-style: chr2-55573426-C-A.
Other names: c.926G>T, p.Arg309Leu (NM_001135597.2, NM_001254943.2, NM_018084.5); short protein forms R309L.
Identifiers: ClinVar variation 1464687 (VCV001464687.8), dbSNP rs1669098738, ClinGen allele CA346907191.

ClinVar aggregate classification (germline): Uncertain significance (1 of 4 stars; one submission).

Submission:

Labcorp Genetics (formerly Invitae), Labcorp
Classification: Uncertain significance. Last evaluated: 2021-05-10. Review status: criteria provided, single submitter. Criteria: Invitae Variant Classification Sherloc (09022015). Collection method: clinical testing. Allele origin: germline.
Comment: In summary, the available evidence is currently insufficient to determine the role of this variant in disease. Therefore, it has been classified as a Variant of Uncertain Significance. Algorithms developed to predict the effect of missense changes on protein structure and function are either unavailable or do not agree on the potential impact of this missense change (SIFT: "Deleterious"; PolyPhen-2: "Possibly Damaging"; Align-GVGD: "Class C0"). This variant has not been reported in the literature in individuals with CCDC88A-related conditions. This variant is not present in population databases (ExAC no frequency). This sequence change replaces arginine with leucine at codon 309 of the CCDC88A protein (p.Arg309Leu). The arginine residue is highly conserved and there is a moderate physicochemical difference between arginine and leucine.